The following is an entry in ClinVar:

ClinVar aggregate classification (germline): Uncertain significance (1 of 4 stars; one submission).

gnomAD v4.1: 11 of 1,613,668 alleles (0.00068%); highest among the groups gnomAD compares: East Asian, 0.0089%; no homozygotes.

Submission:

Labcorp Genetics (formerly Invitae), Labcorp
Classification: Uncertain significance. Last evaluated: 2025-06-22. Review status: criteria provided, single submitter. Criteria: Invitae Variant Classification Sherloc (09022015). Collection method: clinical testing. Allele origin: germline.
Comment: This sequence change replaces proline, which is neutral and non-polar, with leucine, which is neutral and non-polar, at codon 408 of the SON protein (p.Pro408Leu). This variant is present in population databases (rs773905901, gnomAD 0.02%). This variant has not been reported in the literature in individuals affected with SON-related conditions. An algorithm developed to predict the effect of missense changes on protein structure and function (PolyPhen-2) suggests that this variant is likely to be tolerated. In summary, the available evidence is currently insufficient to determine the role of this variant in disease. Therefore, it has been classified as a Variant of Uncertain Significance.

NM_138927.4(SON):c.1223C>T (p.Pro408Leu)

Gene: SON (SON DNA and RNA binding protein; plus strand). Cytogenetic location: 21q22.11.
Variant type: single nucleotide variant.
Coding change: c.1223C>T on transcript NM_138927.4 (MANE Select); coding-DNA position 1223, C replaced by T.
Protein change: p.Pro408Leu; replaces proline 408 with leucine.
Molecular consequence: missense variant. On other transcripts: non-coding transcript variant (1), intron variant (1).
Genome position (GRCh38, 1-based): chr21:33,550,454, C>T. VCF-style: chr21-33550454-C-T. GRCh37 (hg19) VCF-style: chr21-34922760-C-T.
Other names: c.1223C>T, p.Pro408Leu (NM_001291411.2, NM_032195.3); c.244+4075C>T (NM_001291412.3); short protein forms P408L.
Identifiers: ClinVar variation 4775781 (VCV004775781.1).
Genomic context (GRCh38, chr21:33,550,454, plus strand): 5'-CGACCTCCATGCCGGAGTTGCAGGGGCCCCCTGTGACTCCAGTGCTGGAGTTACCTGGGC[C>T]CTCTGCTACCCCGGTGCCAGAGTTGCCAGGGCCCCTTTCTACCCCAGTGCCTGAGTTGCC-3'
Protein context (NP_620305.3, residues 398-418): PVTPVLELPG[Pro408Leu]SATPVPELPG